The following is an entry in ClinVar:

NM_133433.4(NIPBL):c.5972-186_5972-185insATGT

Gene: NIPBL (NIPBL cohesin loading factor; plus strand). Cytogenetic location: 5p13.2.
Variant type: Insertion.
Coding change: c.5972-186_5972-185insATGT on transcript NM_133433.4 (MANE Select); 186 bases into the intron before coding-DNA position 5972 through 185 bases into the intron before coding-DNA position 5972, ATGT inserted.
Molecular consequence: intron variant.
Genome position: GRCh38 VCF-style: chr5-37038415-A-ATATG. GRCh37 (hg19) VCF-style: chr5-37038517-A-ATATG.
Other names: c.5972-186_5972-185insATGT (NM_015384.5).
Identifiers: ClinVar variation 673993 (VCV000673993.1), dbSNP rs2307857, ClinGen allele CA117038207.

ClinVar aggregate classification (germline): Benign (1 of 4 stars; one submission).

Submission:

GeneDx
Classification: Benign. Last evaluated: 2018-06-16. Review status: criteria provided, single submitter. Criteria: GeneDx Variant Classification (06012015). Collection method: clinical testing. Allele origin: germline. Affected: yes.
Comment: This variant is considered likely benign or benign based on one or more of the following criteria: it is a conservative change, it occurs at a poorly conserved position in the protein, it is predicted to be benign by multiple in silico algorithms, and/or has population frequency not consistent with disease.